The following is an entry in ClinVar:

NM_002202.3(ISL1):c.581A>G (p.His194Arg)

Gene: ISL1 (ISL LIM homeobox 1; plus strand). Cytogenetic location: 5q11.1.
Variant type: single nucleotide variant.
Coding change: c.581A>G on transcript NM_002202.3 (MANE Select); coding-DNA position 581, A replaced by G.
Protein change: p.His194Arg; replaces histidine 194 with arginine.
Molecular consequence: missense variant.
Genome position (GRCh38, 1-based): chr5:51,389,748, A>G. VCF-style: chr5-51389748-A-G. GRCh37 (hg19) VCF-style: chr5-50685582-A-G.
Other names: short protein forms H194R.
Identifiers: ClinVar variation 4992296 (VCV004992296.1).
Genomic context (GRCh38, chr5:51,389,748, plus strand): 5'-TCCACAAGCAGCCGGAGAAGACCACCCGCGTGCGGACTGTGCTGAACGAGAAGCAGCTGC[A>G]CACCTTGCGGACCTGCTACGCCGCAAACCCGCGGCCAGATGCGCTCATGAAGGAGCAACT-3'
Protein context (NP_002193.2, residues 184-204): VRTVLNEKQL[His194Arg]TLRTCYAANP

ClinVar aggregate classification (germline): Uncertain significance (1 of 4 stars; one submission).

Conditions:
ISL1-related disorder. Also called: ISL1-related condition.

gnomAD v4.1: 2 of 1,614,178 alleles (0.00012%); highest among the groups gnomAD compares: Admixed American, 0.0033%; no homozygotes.

Submission:

PreventionGenetics, part of Exact Sciences
Classification: Uncertain significance for ISL1-related condition. Last evaluated: 2026-06-02. Review status: criteria provided, single submitter. Criteria: ACMG Guidelines, 2015. Collection method: clinical testing. Allele origin: germline.
Comment: The ISL1 c.581A>G variant is predicted to result in the amino acid substitution p.His194Arg. To our knowledge, this variant has not been reported in the literature. This variant is reported in 0.0029% of alleles in individuals of Latino descent in gnomAD. At this time, the clinical significance of this variant is uncertain due to the absence of conclusive functional and genetic evidence.